The following is an entry in ClinVar:

ClinVar aggregate classification (germline): Uncertain significance. Review status: criteria provided, multiple submitters, no conflicts (2 of 4 stars). 2 submissions from 2 submitters: Uncertain significance (2). Last evaluated 2022-06-25.

Conditions:
Congenital muscular dystrophy due to integrin alpha-7 deficiency. Also called: Congenital muscular dystrophy with integrin alpha-7 deficiency; Muscular dystrophy, congenital, due to ITGA7 deficiency; MYOPATHY, CONGENITAL, DUE TO INTEGRIN ALPHA-7 DEFICIENCY. Identifiers: Orphanet 34520, MedGen C2750786, MONDO:0013177, OMIM 613204.

Allele frequency attached by ClinVar (database versions not stated): ExAC 0.00001; gnomAD exomes 0.00001 and 0.00002; TOPMed 0.00001; gnomAD 0.00002.
gnomAD v4.1: 45 of 1,613,520 alleles (0.0028%); highest among the groups gnomAD compares: Non-Finnish European, 0.0029%; no homozygotes.

Submissions (2):

Labcorp Genetics (formerly Invitae), Labcorp
Classification: Uncertain significance for Congenital muscular dystrophy due to integrin alpha-7 deficiency. Last evaluated: 2022-06-25. Review status: criteria provided, single submitter. Criteria: Invitae Variant Classification Sherloc (09022015). Collection method: clinical testing. Allele origin: germline.
Comment: This variant has not been reported in the literature in individuals affected with ITGA7-related conditions. In summary, the available evidence is currently insufficient to determine the role of this variant in disease. Therefore, it has been classified as a Variant of Uncertain Significance. Algorithms developed to predict the effect of sequence changes on RNA splicing suggest that this variant may create or strengthen a splice site. Algorithms developed to predict the effect of missense changes on protein structure and function are either unavailable or do not agree on the potential impact of this missense change (SIFT: "Deleterious"; PolyPhen-2: "Probably Damaging"; Align-GVGD: "Class C0"). ClinVar contains an entry for this variant (Variation ID: 952338). This variant is present in population databases (rs765097884, gnomAD 0.002%). This sequence change replaces asparagine, which is neutral and polar, with serine, which is neutral and polar, at codon 35 of the ITGA7 protein (p.Asn35Ser).

GeneDx
Classification: Uncertain significance. Last evaluated: 2019-06-21. Review status: criteria provided, single submitter. Criteria: GeneDx Variant Classification Process June 2021. Collection method: clinical testing. Allele origin: germline. Affected: yes.
Comment: Has not been previously published as pathogenic or benign to our knowledge; Not observed at a significant frequency in large population cohorts (Lek et al., 2016); In silico analysis, which includes protein predictors and evolutionary conservation, supports a deleterious effect

NM_002206.3(ITGA7):c.104A>G (p.Asn35Ser)

Gene: ITGA7 (integrin subunit alpha 7; minus strand). Cytogenetic location: 12q13.2.
Variant type: single nucleotide variant.
Coding change: c.104A>G on transcript NM_002206.3 (MANE Select); coding-DNA position 104, A replaced by G.
Protein change: p.Asn35Ser; replaces asparagine 35 with serine.
Molecular consequence: missense variant. On other transcripts: 5 prime UTR variant (1), intron variant (3).
Genome position (GRCh38, 1-based): chr12:55,707,579, T>C on the plus strand (A>G on the coding strand, the complement: ITGA7 is on the minus strand). VCF-style: chr12-55707579-T-C. GRCh37 (hg19) VCF-style: chr12-56101363-T-C.
Other names: c.104A>G, p.Asn35Ser (NM_001144996.2, NM_001374465.1, NM_001410977.1 and 6 more transcripts); c.-1069A>G (NM_001367994.1); c.85+4484A>G (NM_001144997.2); c.-133-4401A>G (NM_001367993.1, NM_001414035.1); short protein forms N35S.
Identifiers: ClinVar variation 952338 (VCV000952338.12), dbSNP rs765097884, ClinGen allele CA6616456.